The following is an entry in ClinVar:

NM_002691.4(POLD1):c.2623C>G (p.Arg875Gly)

Gene: POLD1 (DNA polymerase delta 1, catalytic subunit; plus strand). Cytogenetic location: 19q13.33.
Variant type: single nucleotide variant.
Coding change: c.2623C>G on transcript NM_002691.4 (MANE Select); coding-DNA position 2623, C replaced by G.
Protein change: p.Arg875Gly; replaces arginine 875 with glycine.
Molecular consequence: missense variant. On other transcripts: non-coding transcript variant (1).
Genome position (GRCh38, 1-based): chr19:50,415,496, C>G. VCF-style: chr19-50415496-C-G. GRCh37 (hg19) VCF-style: chr19-50918753-C-G.
Other names: c.2623C>G, p.Arg875Gly (NM_001256849.1); c.2701C>G, p.Arg901Gly (NM_001308632.1); short protein forms R901G, R875G.
Identifiers: ClinVar variation 3308266 (VCV003308266.3).

ClinVar aggregate classification (germline): Uncertain significance. Review status: criteria provided, multiple submitters, no conflicts (2 of 4 stars). 2 submissions from 2 submitters: Uncertain significance (2). Last evaluated 2024-07-11.

Conditions:
POLD1-related polyposis and colorectal cancer syndrome (CRCS10). Also called: Colorectal cancer 10; COLORECTAL CANCER, SUSCEPTIBILITY TO, ON CHROMOSOME 19q; Colorectal cancer, susceptibility to, 10. Identifiers: Orphanet 220460, MedGen C2675481, MONDO:0012953, OMIM 612591.
Hereditary cancer-predisposing syndrome. Also called: Neoplastic Syndromes, Hereditary; Tumor predisposition; Hereditary Cancer Syndrome; Hereditary neoplastic syndrome. Identifiers: Orphanet 140162, MedGen C0027672, MeSH D009386, MONDO:0015356.

Submissions (2):

Labcorp Genetics (formerly Invitae), Labcorp
Classification: Uncertain significance for POLD1-related polyposis and colorectal cancer syndrome. Last evaluated: 2024-07-11. Review status: criteria provided, single submitter. Criteria: Invitae Variant Classification Sherloc (09022015). Collection method: clinical testing. Allele origin: germline.
Comment: This sequence change replaces arginine, which is basic and polar, with glycine, which is neutral and non-polar, at codon 875 of the POLD1 protein (p.Arg875Gly). This variant is not present in population databases (gnomAD no frequency). This variant has not been reported in the literature in individuals affected with POLD1-related conditions. Advanced modeling of protein sequence and biophysical properties (such as structural, functional, and spatial information, amino acid conservation, physicochemical variation, residue mobility, and thermodynamic stability) performed at Invitae indicates that this missense variant is expected to disrupt POLD1 protein function with a positive predictive value of 80%. In summary, the available evidence is currently insufficient to determine the role of this variant in disease. Therefore, it has been classified as a Variant of Uncertain Significance.

Ambry Genetics
Classification: Uncertain significance for Hereditary cancer-predisposing syndrome. Last evaluated: 2024-06-12. Review status: criteria provided, single submitter. Criteria: Ambry Variant Classification Scheme 2023. Collection method: clinical testing. Allele origin: germline.
Comment: The p.R875G variant (also known as c.2623C>G), located in coding exon 20 of the POLD1 gene, results from a C to G substitution at nucleotide position 2623. The arginine at codon 875 is replaced by glycine, an amino acid with dissimilar properties. This amino acid position is conserved. In addition, the in silico prediction for this alteration is inconclusive. Based on the available evidence, the clinical significance of this variant remains unclear.